The following is an entry in ClinVar:

ClinVar aggregate classification (germline): Uncertain significance (1 of 4 stars; one submission).

Submission:

Labcorp Genetics (formerly Invitae), Labcorp
Classification: Uncertain significance. Last evaluated: 2025-04-19. Review status: criteria provided, single submitter. Criteria: Invitae Variant Classification Sherloc (09022015). Collection method: clinical testing. Allele origin: germline.
Comment: This sequence change replaces methionine, which is neutral and non-polar, with lysine, which is basic and polar, at codon 1270 of the PIEZO1 protein (p.Met1270Lys). This variant is not present in population databases (gnomAD no frequency). This variant has not been reported in the literature in individuals affected with PIEZO1-related conditions. Invitae Evidence Modeling of protein sequence and biophysical properties (such as structural, functional, and spatial information, amino acid conservation, physicochemical variation, residue mobility, and thermodynamic stability) indicates that this missense variant is not expected to disrupt PIEZO1 protein function with a negative predictive value of 95%. In summary, the available evidence is currently insufficient to determine the role of this variant in disease. Therefore, it has been classified as a Variant of Uncertain Significance.

NM_001142864.4(PIEZO1):c.3809T>A (p.Met1270Lys)

Gene: PIEZO1 (piezo type mechanosensitive ion channel component 1 (Er blood group); minus strand). Cytogenetic location: 16q24.3.
Variant type: single nucleotide variant.
Coding change: c.3809T>A on transcript NM_001142864.4 (MANE Select); coding-DNA position 3809, T replaced by A.
Protein change: p.Met1270Lys; replaces methionine 1270 with lysine.
Molecular consequence: missense variant.
Genome position (GRCh38, 1-based): chr16:88,726,443, A>T on the plus strand (T>A on the coding strand, the complement: PIEZO1 is on the minus strand). VCF-style: chr16-88726443-A-T. GRCh37 (hg19) VCF-style: chr16-88792851-A-T.
Other names: short protein forms M1270K.
Identifiers: ClinVar variation 4771754 (VCV004771754.1).
Genomic context (GRCh38, chr16:88,726,443, plus strand): 5'-ACGCTGTCCCAGATGATGCCAGCCTCCTCCACAGGCAGCAGGCAGTCCTGGTCTCTGTCC[A>T]TCATCTCCTTGGCTGCAAGGCAGGCACCGGCAAGGGTCAGGCCCAGGGCCCAGGAGCAGG-3'
Protein context (NP_001136336.2, residues 1260-1280): VKGYYDPKEM[Met1270Lys]DRDQDCLLPV